The following is an entry in ClinVar:

NM_182961.4(SYNE1):c.18565A>G (p.Asn6189Asp)

Gene: SYNE1 (spectrin repeat containing nuclear envelope protein 1; minus strand). Cytogenetic location: 6q25.2.
Variant type: single nucleotide variant.
Coding change: c.18565A>G on transcript NM_182961.4 (MANE Select); coding-DNA position 18565, A replaced by G.
Protein change: p.Asn6189Asp; replaces asparagine 6189 with aspartic acid.
Molecular consequence: missense variant.
Genome position (GRCh38, 1-based): chr6:152,278,097, T>C on the plus strand (A>G on the coding strand, the complement: SYNE1 is on the minus strand). VCF-style: chr6-152278097-T-C. GRCh37 (hg19) VCF-style: chr6-152599232-T-C.
Other names: c.18352A>G, p.Asn6118Asp (NM_033071.5); short protein forms N6189D, N6118D.
Identifiers: ClinVar variation 2005881 (VCV002005881.4), dbSNP rs2551964781, ClinGen allele CA366094454.

ClinVar aggregate classification (germline): Uncertain significance (1 of 4 stars; one submission).

Conditions:
Autosomal recessive ataxia, Beauce type. Also called: SYNE1 Deficiency; Spinocerebellar ataxia, autosomal recessive 8; ATAXIA, RECESSIVE, OF BEAUCE; SYNE1-Related Autosomal Recessive Cerebellar Ataxia. Identifiers: Orphanet 88644, MedGen C1853116, MONDO:0012549, OMIM 610743.
Emery-Dreifuss muscular dystrophy 4, autosomal dominant (EDMD4). Also called: EMERY-DREIFUSS MUSCULAR DYSTROPHY 4 WITH VARIABLE FEATURES. Identifiers: Orphanet 261, MedGen C2751807, MONDO:0013071, OMIM 612998.

Submission:

Labcorp Genetics (formerly Invitae), Labcorp
Classification: Uncertain significance for Emery-Dreifuss muscular dystrophy 4, autosomal dominant; Autosomal recessive ataxia, Beauce type. Last evaluated: 2025-10-02. Review status: criteria provided, single submitter. Criteria: Invitae Variant Classification Sherloc (09022015). Collection method: clinical testing. Allele origin: germline.
Comment: This sequence change replaces asparagine, which is neutral and polar, with aspartic acid, which is acidic and polar, at codon 6118 of the SYNE1 protein (p.Asn6118Asp). This variant is not present in population databases (gnomAD no frequency). This variant has not been reported in the literature in individuals affected with SYNE1-related conditions. ClinVar contains an entry for this variant (Variation ID: 2005881). An algorithm developed to predict the effect of missense changes on protein structure and function outputs the following: PolyPhen-2: "Benign". The aspartic acid amino acid residue is found in multiple mammalian species, which suggests that this missense change does not adversely affect protein function. In summary, the available evidence is currently insufficient to determine the role of this variant in disease. Therefore, it has been classified as a Variant of Uncertain Significance.